The following is an entry in ClinVar:

ClinVar aggregate classification (germline): Uncertain significance (1 of 4 stars; one submission).

Conditions:
Inborn genetic diseases. Identifiers: MedGen C0950123, MeSH D030342.

Allele frequency attached by ClinVar (database versions not stated): gnomAD exomes below 0.00001; gnomAD 0.00001; TOPMed 0.00001.
gnomAD v4.1: 4 of 1,613,954 alleles (0.00025%); highest among the groups gnomAD compares: African/African-American, 0.004%; no homozygotes.

Submission:

Ambry Genetics
Classification: Uncertain significance for Inborn genetic diseases. Last evaluated: 2021-03-03. Review status: criteria provided, single submitter. Criteria: Ambry Variant Classification Scheme 2023. Collection method: clinical testing. Allele origin: germline.
Comment: The c.4558C>T (p.L1520F) alteration is located in exon 41 (coding exon 41) of the UBR1 gene. This alteration results from a C to T substitution at nucleotide position 4558, causing the leucine (L) at amino acid position 1520 to be replaced by a phenylalanine (F). The p.L1520F alteration is predicted to be tolerated by in silico analysis. Based on insufficient or conflicting evidence, the clinical significance of this alteration remains unclear.

NM_174916.3(UBR1):c.4558C>T (p.Leu1520Phe)

Gene: UBR1 (ubiquitin protein ligase E3 component n-recognin 1; minus strand). Cytogenetic location: 15q15.2.
Variant type: single nucleotide variant.
Coding change: c.4558C>T on transcript NM_174916.3 (MANE Select); coding-DNA position 4558, C replaced by T.
Protein change: p.Leu1520Phe; replaces leucine 1520 with phenylalanine.
Molecular consequence: missense variant.
Genome position (GRCh38, 1-based): chr15:42,966,186, G>A on the plus strand (C>T on the coding strand, the complement: UBR1 is on the minus strand). VCF-style: chr15-42966186-G-A. GRCh37 (hg19) VCF-style: chr15-43258384-G-A.
Other names: short protein forms L1520F.
Identifiers: ClinVar variation 2229459 (VCV002229459.2), dbSNP rs1190433724, ClinGen allele CA392041634.
Genomic context (GRCh38, chr15:42,966,186, plus strand): 5'-ACTCCATGATTTCATTTTTCTACTTACTGGTATGCAGTTCCTCAGGCGGAGTTACCCCAA[G>A]TAAATAGTGGAAAAACAATGCAGCACAGCGAAGATAAGGGGTGATGCCATTCTTCAGTGA-3'
Protein context (NP_777576.1, residues 1510-1530): RCAALFFHYL[Leu1520Phe]GVTPPEELHT